The following is an entry in ClinVar:

ClinVar aggregate classification (germline): Uncertain significance (1 of 4 stars; one submission).

Conditions:
Familial thoracic aortic aneurysm and aortic dissection (TAAD). Also called: Thoracic aortic aneurysms and dissections. Identifiers: Orphanet 91387, MedGen C4707243, MONDO:0019625.

Submission:

Ambry Genetics
Classification: Uncertain significance for Familial thoracic aortic aneurysm and aortic dissection. Last evaluated: 2026-03-11. Review status: criteria provided, single submitter. Criteria: Ambry Variant Classification Scheme 2023. Collection method: clinical testing. Allele origin: germline.
Comment: The p.V995F variant (also known as c.2983G>T), located in coding exon 43 of the COL5A2 gene, results from a G to T substitution at nucleotide position 2983. The valine at codon 995 is replaced by phenylalanine, an amino acid with highly similar properties. This amino acid position is conserved. In addition, this alteration is predicted to be deleterious by in silico analysis. Based on the available evidence, the clinical significance of this variant remains unclear.

NM_000393.5(COL5A2):c.2983G>T (p.Val995Phe)

Gene: COL5A2 (collagen type V alpha 2 chain; minus strand). Cytogenetic location: 2q32.2.
Variant type: single nucleotide variant.
Coding change: c.2983G>T on transcript NM_000393.5 (MANE Select); coding-DNA position 2983, G replaced by T.
Protein change: p.Val995Phe; replaces valine 995 with phenylalanine.
Molecular consequence: missense variant.
Genome position (GRCh38, 1-based): chr2:189,050,625, C>A on the plus strand (G>T on the coding strand, the complement: COL5A2 is on the minus strand). VCF-style: chr2-189050625-C-A. GRCh37 (hg19) VCF-style: chr2-189915351-C-A.
Other names: short protein forms V995F.
Identifiers: ClinVar variation 4826317 (VCV004826317.1).